The following is an entry in ClinVar:

ClinVar aggregate classification (germline): Pathogenic (1 of 4 stars; one submission).

Conditions:
MPI-congenital disorder of glycosylation. Also called: CDG Ib; MPI-CDG; CONGENITAL DISORDER OF GLYCOSYLATION, TYPE Ib; MANNOSEPHOSPHATE ISOMERASE DEFICIENCY; PROTEIN-LOSING ENTEROPATHY-HEPATIC FIBROSIS SYNDROME; MPI DEFICIENCY. Identifiers: Orphanet 79319, MedGen C1865145, MONDO:0011257, OMIM 602579.

Submission:

Labcorp Genetics (formerly Invitae), Labcorp
Classification: Pathogenic for MPI-congenital disorder of glycosylation. Last evaluated: 2022-12-22. Review status: criteria provided, single submitter. Criteria: Invitae Variant Classification Sherloc (09022015). Collection method: clinical testing. Allele origin: germline.
Comment: For these reasons, this variant has been classified as Pathogenic. This variant has not been reported in the literature in individuals affected with MPI-related conditions. This variant is not present in population databases (gnomAD no frequency). This sequence change creates a premature translational stop signal (p.Gln124Profs*32) in the MPI gene. It is expected to result in an absent or disrupted protein product. Loss-of-function variants in MPI are known to be pathogenic (PMID: 19862844).

Literature cited by the submitters: PubMed 19862844.

NM_002435.3(MPI):c.370dup (p.Gln124fs)

Gene: MPI (mannose phosphate isomerase; plus strand). Cytogenetic location: 15q24.1.
Variant type: Duplication.
Coding change: c.370dup on transcript NM_002435.3 (MANE Select); coding-DNA position 370, one base duplicated (C; older notation c.370dupC).
Protein change: p.Gln124fs; shifts the reading frame from glutamine 124.
Molecular consequence: frameshift variant.
Genome position (GRCh38, 1-based): chr15:74,892,685, C duplicated; the last of 2 consecutive C bases (chr15:74,892,684-74,892,685); duplicating either gives the same sequence. VCF-style (leftmost placement, unchanged base first): chr15-74892683-T-TC. GRCh37 (hg19) VCF-style: chr15-75185024-T-TC.
Other names: c.370dup, p.Gln124fs (NM_001289155.2, NM_001289157.2); c.220dup, p.Gln74fs (NM_001289156.2); c.310dup, p.Gln104fs (NM_001330372.2); short protein forms Q104fs, Q74fs, Q124fs.
Identifiers: ClinVar variation 2823076 (VCV002823076.3), dbSNP rs2505815582, ClinGen allele CA2739269587.